The following is an entry in ClinVar:

NM_017780.4(CHD7):c.2239-3T>C

Gene: CHD7 (chromodomain helicase DNA binding protein 7; plus strand). Cytogenetic location: 8q12.2.
Variant type: single nucleotide variant.
Coding change: c.2239-3T>C on transcript NM_017780.4 (MANE Select); 3 bases into the intron before coding-DNA position 2239, T replaced by C.
Molecular consequence: intron variant.
Genome position (GRCh38, 1-based): chr8:60,800,385, T>C. VCF-style: chr8-60800385-T-C. GRCh37 (hg19) VCF-style: chr8-61712944-T-C.
Other names: c.1716+19335T>C (NM_001316690.1).
Identifiers: ClinVar variation 3703281 (VCV003703281.2).

ClinVar aggregate classification (germline): Uncertain significance (1 of 4 stars; one submission).

Conditions:
CHARGE syndrome (CHARGE). Also called: Hittner Hirsch Kreh syndrome; CHARGE ASSOCIATION--COLOBOMA, HEART ANOMALY, CHOANAL ATRESIA, RETARDATION, GENITAL AND EAR ANOMALIES; Coloboma, heart anomaly, choanal atresia, retardation, genital and ear anomalies; CHARGE association; Hall-Hittner syndrome. Identifiers: Orphanet 138, MedGen C0265354, MONDO:0008965.

Submission:

Labcorp Genetics (formerly Invitae), Labcorp
Classification: Uncertain significance for CHARGE syndrome. Last evaluated: 2025-01-20. Review status: criteria provided, single submitter. Criteria: Invitae Variant Classification Sherloc (09022015). Collection method: clinical testing. Allele origin: germline.
Comment: This sequence change falls in intron 4 of the CHD7 gene. It does not directly change the encoded amino acid sequence of the CHD7 protein. It affects a nucleotide within the consensus splice site. This variant is present in population databases (no rsID available, gnomAD 0.01%). This variant has not been reported in the literature in individuals affected with CHD7-related conditions. Variants that disrupt the consensus splice site are a relatively common cause of aberrant splicing (PMID: 17576681, 9536098). Algorithms developed to predict the effect of sequence changes on RNA splicing suggest that this variant is not likely to affect RNA splicing. In summary, the available evidence is currently insufficient to determine the role of this variant in disease. Therefore, it has been classified as a Variant of Uncertain Significance.

Literature cited by the submitters: PubMed 17576681; PubMed 9536098.